The following is an entry in ClinVar:

ClinVar aggregate classification (germline): Uncertain significance (1 of 4 stars; one submission).

Allele frequency attached by ClinVar (database versions not stated): gnomAD exomes below 0.00001.
gnomAD v4.1: 3 of 1,613,852 alleles (0.00019%); highest among the groups gnomAD compares: Middle Eastern, 0.016%; no homozygotes.

Submission:

Mayo Clinic Laboratories, Mayo Clinic
Classification: Uncertain significance. Last evaluated: 2023-02-02. Review status: criteria provided, single submitter. Criteria: ACMG Guidelines, 2015. Collection method: clinical testing. Allele origin: germline. Observed: 1 variant allele.
Comment: BP4, PM2

NM_032119.4(ADGRV1):c.6014A>G (p.Lys2005Arg)

Gene: ADGRV1 (adhesion G protein-coupled receptor V1; plus strand). Cytogenetic location: 5q14.3.
Variant type: single nucleotide variant.
Coding change: c.6014A>G on transcript NM_032119.4 (MANE Select); coding-DNA position 6014, A replaced by G.
Protein change: p.Lys2005Arg; replaces lysine 2005 with arginine.
Molecular consequence: missense variant. On other transcripts: non-coding transcript variant (1).
Genome position (GRCh38, 1-based): chr5:90,683,935, A>G. VCF-style: chr5-90683935-A-G. GRCh37 (hg19) VCF-style: chr5-89979752-A-G.
Other names: p.Lys2005Arg; short protein forms K2005R.
Identifiers: ClinVar variation 2682896 (VCV002682896.1), dbSNP rs2530823530, ClinGen allele CA360413947.